The following is an entry in ClinVar:

NM_002485.5(NBN):c.533C>A (p.Thr178Asn)

Gene: NBN (nibrin; minus strand). Cytogenetic location: 8q21.3.
Variant type: single nucleotide variant.
Coding change: c.533C>A on transcript NM_002485.5 (MANE Select); coding-DNA position 533, C replaced by A.
Protein change: p.Thr178Asn; replaces threonine 178 with asparagine.
Molecular consequence: missense variant.
Genome position (GRCh38, 1-based): chr8:89,978,271, G>T on the plus strand (C>A on the coding strand, the complement: NBN is on the minus strand). VCF-style: chr8-89978271-G-T. GRCh37 (hg19) VCF-style: chr8-90990499-G-T.
Other names: c.287C>A, p.Thr96Asn (NM_001024688.3); short protein forms T96N, T178N.
Identifiers: ClinVar variation 3877912 (VCV003877912.1).

ClinVar aggregate classification (germline): Uncertain significance (1 of 4 stars; one submission).

Conditions:
Hereditary cancer-predisposing syndrome. Also called: Tumor predisposition; Neoplastic Syndromes, Hereditary; Hereditary Cancer Syndrome; Hereditary neoplastic syndrome. Identifiers: Orphanet 140162, MedGen C0027672, MeSH D009386, MONDO:0015356.

Submission:

Ambry Genetics
Classification: Uncertain significance for Hereditary cancer-predisposing syndrome. Last evaluated: 2025-03-10. Review status: criteria provided, single submitter. Criteria: Ambry Variant Classification Scheme 2023. Collection method: clinical testing. Allele origin: germline.
Comment: The p.T178N variant (also known as c.533C>A), located in coding exon 5 of the NBN gene, results from a C to A substitution at nucleotide position 533. The threonine at codon 178 is replaced by asparagine, an amino acid with similar properties. This amino acid position is conserved. In addition, this alteration is predicted to be tolerated by in silico analysis. Based on the available evidence, the clinical significance of this variant remains unclear.